The following is an entry in ClinVar:

NM_001369369.1(FOXN1):c.1140G>C (p.Glu380Asp)

Gene: FOXN1 (forkhead box N1; plus strand). Cytogenetic location: 17q11.2.
Variant type: single nucleotide variant.
Coding change: c.1140G>C on transcript NM_001369369.1 (MANE Select); coding-DNA position 1140, G replaced by C.
Protein change: p.Glu380Asp; replaces glutamic acid 380 with aspartic acid.
Molecular consequence: missense variant.
Genome position (GRCh38, 1-based): chr17:28,534,711, G>C. VCF-style: chr17-28534711-G-C. GRCh37 (hg19) VCF-style: chr17-26861729-G-C.
Other names: c.1140G>C, p.Glu380Asp (NM_003593.3); short protein forms E380D.
Identifiers: ClinVar variation 2087625 (VCV002087625.1), dbSNP rs778007990, ClinGen allele CA398325237.

ClinVar aggregate classification (germline): Uncertain significance (1 of 4 stars; one submission).

Conditions:
T-cell immunodeficiency, congenital alopecia, and nail dystrophy. Also called: Congenital alopecia and nail dystrophy associated with severe functional T-cell immunodeficiency; Pignata Guarino syndrome. Identifiers: Orphanet 169095, MedGen C1866426, MONDO:0011132, OMIM 601705.

Allele frequency attached by ClinVar (database versions not stated): gnomAD exomes below 0.00001.

Submission:

Labcorp Genetics (formerly Invitae), Labcorp
Classification: Uncertain significance for T-cell immunodeficiency, congenital alopecia, and nail dystrophy. Last evaluated: 2022-10-24. Review status: criteria provided, single submitter. Criteria: Invitae Variant Classification Sherloc (09022015). Collection method: clinical testing. Allele origin: germline.
Comment: This sequence change replaces glutamic acid, which is acidic and polar, with aspartic acid, which is acidic and polar, at codon 380 of the FOXN1 protein (p.Glu380Asp). This variant is not present in population databases (gnomAD no frequency). This variant has not been reported in the literature in individuals affected with FOXN1-related conditions. Advanced modeling of protein sequence and biophysical properties (such as structural, functional, and spatial information, amino acid conservation, physicochemical variation, residue mobility, and thermodynamic stability) performed at Invitae indicates that this missense variant is not expected to disrupt FOXN1 protein function. In summary, the available evidence is currently insufficient to determine the role of this variant in disease. Therefore, it has been classified as a Variant of Uncertain Significance.